The following is an entry in ClinVar:

NM_000965.5(RARB):c.1229C>A (p.Ser410Tyr)

Gene: RARB (retinoic acid receptor beta; plus strand). Cytogenetic location: 3p24.2.
Variant type: single nucleotide variant.
Coding change: c.1229C>A on transcript NM_000965.5 (MANE Select); coding-DNA position 1229, C replaced by A.
Protein change: p.Ser410Tyr; replaces serine 410 with tyrosine.
Molecular consequence: missense variant. On other transcripts: non-coding transcript variant (2).
Genome position (GRCh38, 1-based): chr3:25,596,498, C>A. VCF-style: chr3-25596498-C-A. GRCh37 (hg19) VCF-style: chr3-25637989-C-A.
Other names: c.1250C>A, p.Ser417Tyr (NM_001290216.3); c.893C>A, p.Ser298Tyr (NM_001290217.2, NM_001290276.2, NM_016152.4); c.1082C>A, p.Ser361Tyr (NM_001290266.2); c.1091C>A, p.Ser364Tyr (NM_001290277.1); c.1100C>A, p.Ser367Tyr (NM_001290300.2); short protein forms S298Y, S361Y, S364Y, S367Y, S410Y, S417Y.
Identifiers: ClinVar variation 1312913 (VCV001312913.2), dbSNP rs1701838268, ClinGen allele CA351889233.

ClinVar aggregate classification (germline): Uncertain significance (1 of 4 stars; one submission).

Submission:

GeneDx
Classification: Uncertain significance. Last evaluated: 2020-07-01. Review status: criteria provided, single submitter. Criteria: GeneDx Variant Classification Process June 2021. Collection method: clinical testing. Allele origin: germline. Affected: yes.
Comment: Not observed in large population cohorts (Lek et al., 2016); In silico analysis supports that this missense variant has a deleterious effect on protein structure/function; Has not been previously published as pathogenic or benign to our knowledge